The following is an entry in ClinVar:

ClinVar aggregate classification (germline): Likely benign (1 of 4 stars; one submission).

Allele frequency attached by ClinVar (database versions not stated): 1000 Genomes Project 0.00020; 1000 Genomes Project 30x 0.00031; TOPMed 0.00252; gnomAD 0.00404 and 0.00419.
gnomAD v4.1: 613 of 152,282 alleles (0.4%); highest among the groups gnomAD compares: Middle Eastern, 1.7%; 4 homozygotes.

Submission:

GeneDx
Classification: Likely benign. Last evaluated: 2018-06-14. Review status: criteria provided, single submitter. Criteria: GeneDx Variant Classification (06012015). Collection method: clinical testing. Allele origin: germline. Affected: yes.
Comment: This variant is considered likely benign or benign based on one or more of the following criteria: it is a conservative change, it occurs at a poorly conserved position in the protein, it is predicted to be benign by multiple in silico algorithms, and/or has population frequency not consistent with disease.

NM_000426.4(LAMA2):c.2450+283A>G

Gene: LAMA2 (laminin subunit alpha 2; plus strand). Cytogenetic location: 6q22.33.
Variant type: single nucleotide variant.
Coding change: c.2450+283A>G on transcript NM_000426.4 (MANE Select); 283 bases into the intron after coding-DNA position 2450, A replaced by G.
Molecular consequence: intron variant.
Genome position (GRCh38, 1-based): chr6:129,271,034, A>G. VCF-style: chr6-129271034-A-G. GRCh37 (hg19) VCF-style: chr6-129592179-A-G.
Other names: c.2450+283A>G (NM_001079823.2).
Identifiers: ClinVar variation 673312 (VCV000673312.1), dbSNP rs186515562, ClinGen allele CA146880704.
Genomic context (GRCh38, chr6:129,271,034, plus strand): 5'-TTTCTAAGAGTAGAACTCAAATAGAATTTCTACACCAATTCCAAAGAACATAAATATTTT[A>G]TACAAACACATACATGTGCATGCATGTACACACCTACACACAGACACATACCCATCTTCA-3'